The following is an entry in ClinVar:

ClinVar aggregate classification (germline): Uncertain significance (1 of 4 stars; one submission).

Conditions:
Inborn genetic diseases. Identifiers: MedGen C0950123, MeSH D030342.

gnomAD v4.1: 1 of 1,547,512 alleles (0.000065%); highest among the groups gnomAD compares: African/African-American, 0.0014%; no homozygotes.

Submission:

Ambry Genetics
Classification: Uncertain significance for Inborn genetic diseases. Last evaluated: 2025-10-22. Review status: criteria provided, single submitter. Criteria: Ambry Variant Classification Scheme 2023. Collection method: clinical testing. Allele origin: germline.
Comment: The p.K1141R variant (also known as c.3422A>G), located in coding exon 16 of the MECOM gene, results from an A to G substitution at nucleotide position 3422. The lysine at codon 1141 is replaced by arginine, an amino acid with highly similar properties. This amino acid position is conserved. In addition, this alteration is predicted to be tolerated by in silico analysis. Based on the available evidence, the clinical significance of this variant remains unclear.

NM_004991.4(MECOM):c.3422A>G (p.Lys1141Arg)

Gene: MECOM (MDS1 and EVI1 complex locus; minus strand). Cytogenetic location: 3q26.2.
Variant type: single nucleotide variant.
Coding change: c.3422A>G on transcript NM_004991.4 (MANE Select); coding-DNA position 3422, A replaced by G.
Protein change: p.Lys1141Arg; replaces lysine 1141 with arginine.
Molecular consequence: missense variant.
Genome position (GRCh38, 1-based): chr3:169,089,163, T>C on the plus strand (A>G on the coding strand, the complement: MECOM is on the minus strand). VCF-style: chr3-169089163-T-C. GRCh37 (hg19) VCF-style: chr3-168806951-T-C.
Other names: c.3053A>G, p.Lys1018Arg (NM_001105077.4); c.2858A>G, p.Lys953Arg (NM_001105078.4, NM_001205194.2, NM_001366469.2 and 1 more transcripts); c.2834A>G, p.Lys945Arg (NM_001163999.2, NM_001366470.2); c.2831A>G, p.Lys944Arg (NM_001164000.2, NM_001366471.2, NM_001366472.2); c.3395A>G, p.Lys1132Arg (NM_001366466.2); c.2861A>G, p.Lys954Arg (NM_001366467.2, NM_001366468.2); c.2423A>G, p.Lys808Arg (NM_001366473.2); c.1859A>G, p.Lys620Arg (NM_001366474.2); short protein forms K620R, K808R, K1018R, K1132R, K1141R, K944R, K953R, K945R.
Identifiers: ClinVar variation 4624660 (VCV004624660.1).